The following is an entry in ClinVar:

NM_173546.3(KLHDC8B):c.548G>A (p.Arg183His)

Gene: KLHDC8B (kelch domain containing 8B; plus strand). Cytogenetic location: 3p21.31.
Variant type: single nucleotide variant.
Coding change: c.548G>A on transcript NM_173546.3 (MANE Select); coding-DNA position 548, G replaced by A.
Protein change: p.Arg183His; replaces arginine 183 with histidine.
Molecular consequence: missense variant.
Genome position (GRCh38, 1-based): chr3:49,174,748, G>A. VCF-style: chr3-49174748-G-A. GRCh37 (hg19) VCF-style: chr3-49212181-G-A.
Other names: short protein forms R183H.
Identifiers: ClinVar variation 4708132 (VCV004708132.1).
Genomic context (GRCh38, chr3:49,174,748, plus strand): 5'-GGAGCCCACCAAGCCTCCTGGGCTCCTTCCCAGGTACCCCAATTCCATTGACAGGGGGCC[G>A]CCAGGGCAAGCTCCCGGTGACTGCTTTTGAAGCCTTTGATCTGGAGGCCCGTACATGGAC-3'
Protein context (NP_775817.1, residues 173-193): HGNKIYVLGG[Arg183His]QGKLPVTAFE

ClinVar aggregate classification (germline): Uncertain significance (1 of 4 stars; one submission).

gnomAD v4.1: 21 of 1,602,656 alleles (0.0013%); highest among the groups gnomAD compares: East Asian, 0.036%; no homozygotes.

Submission:

Labcorp Genetics (formerly Invitae), Labcorp
Classification: Uncertain significance. Last evaluated: 2025-03-31. Review status: criteria provided, single submitter. Criteria: Invitae Variant Classification Sherloc (09022015). Collection method: clinical testing. Allele origin: germline.
Comment: This sequence change replaces arginine, which is basic and polar, with histidine, which is basic and polar, at codon 183 of the KLHDC8B protein (p.Arg183His). This variant is not present in population databases (gnomAD no frequency). This variant has not been reported in the literature in individuals affected with KLHDC8B-related conditions. An algorithm developed to predict the effect of missense changes on protein structure and function (PolyPhen-2) suggests that this variant is likely to be disruptive. In summary, the available evidence is currently insufficient to determine the role of this variant in disease. Therefore, it has been classified as a Variant of Uncertain Significance.